The following is an entry in ClinVar:

NM_001042492.3(NF1):c.205-3T>C

Gene: NF1 (neurofibromin 1; plus strand). Cytogenetic location: 17q11.2.
Variant type: single nucleotide variant.
Coding change: c.205-3T>C on transcript NM_001042492.3 (MANE Select); 3 bases into the intron before coding-DNA position 205, T replaced by C.
Molecular consequence: intron variant.
Genome position (GRCh38, 1-based): chr17:31,159,007, T>C. VCF-style: chr17-31159007-T-C. GRCh37 (hg19) VCF-style: chr17-29486025-T-C.
Other names: c.205-3T>C (NM_000267.4, NM_001128147.3).
Identifiers: ClinVar variation 3724701 (VCV003724701.2).

ClinVar aggregate classification (germline): Uncertain significance (1 of 4 stars; one submission).

Conditions:
Neurofibromatosis, type 1 (NF1). Also called: NEUROFIBROMATOSIS, TYPE I, SOMATIC; Peripheral type neurofibromatosis; Neurofibromatosis, type I; VON RECKLINGHAUSEN DISEASE. Identifiers: Orphanet 636, MedGen C0027831, MONDO:0018975, OMIM 162200. Disease mechanism: loss of function.

gnomAD v4.1: 2 of 1,539,622 alleles (0.00013%); highest among the groups gnomAD compares: Non-Finnish European, 0.00018%; no homozygotes.

Submission:

Labcorp Genetics (formerly Invitae), Labcorp
Classification: Uncertain significance for Neurofibromatosis, type 1. Last evaluated: 2024-11-05. Review status: criteria provided, single submitter. Criteria: Invitae Variant Classification Sherloc (09022015). Collection method: clinical testing. Allele origin: germline.
Comment: This sequence change falls in intron 2 of the NF1 gene. It does not directly change the encoded amino acid sequence of the NF1 protein. It affects a nucleotide within the consensus splice site. This variant is not present in population databases (gnomAD no frequency). This variant has not been reported in the literature in individuals affected with NF1-related conditions. Variants that disrupt the consensus splice site are a relatively common cause of aberrant splicing (PMID: 17576681, 9536098). Algorithms developed to predict the effect of sequence changes on RNA splicing suggest that this variant is not likely to affect RNA splicing. In summary, the available evidence is currently insufficient to determine the role of this variant in disease. Therefore, it has been classified as a Variant of Uncertain Significance.

Literature cited by the submitters: PubMed 17576681; PubMed 9536098.